The following is an entry in ClinVar:

ClinVar aggregate classification (germline): Likely benign. Review status: criteria provided, multiple submitters, no conflicts (2 of 4 stars). 3 submissions from 3 submitters: Likely benign (3). Last evaluated 2026-03-24.

Conditions:
Emery-Dreifuss muscular dystrophy 5, autosomal dominant (EDMD5). Also called: EMERY-DREIFUSS MUSCULAR DYSTROPHY 5. Identifiers: Orphanet 261, MedGen C2751805, MONDO:0013072, OMIM 612999.
SYNE2-related disorder. Also called: SYNE2-related condition.

Allele frequency attached by ClinVar (database versions not stated): ExAC 0.00005; ESP Exome Variant Server 0.00008; gnomAD exomes 0.00015 and 0.00004; gnomAD 0.00003 and 0.00004; TOPMed 0.00003.
gnomAD v4.1: 225 of 1,614,024 alleles (0.014%); highest among the groups gnomAD compares: Non-Finnish European, 0.019%; no homozygotes.

Submissions (3):

PreventionGenetics, part of Exact Sciences
Classification: Likely benign for SYNE2-related condition. Last evaluated: 2026-03-24. Review status: criteria provided, single submitter. Criteria: ACMG Guidelines, 2015. Collection method: clinical testing. Allele origin: germline.
Comment: This variant is classified as likely benign based on ACMG/AMP sequence variant interpretation guidelines (Richards et al. 2015 PMID: 25741868, with internal and published modifications).

Labcorp Genetics (formerly Invitae), Labcorp
Classification: Likely benign for Emery-Dreifuss muscular dystrophy 5, autosomal dominant. Last evaluated: 2023-09-17. Review status: criteria provided, single submitter. Criteria: Invitae Variant Classification Sherloc (09022015). Collection method: clinical testing. Allele origin: germline.

Illumina Laboratory Services, Illumina
Classification: Likely benign for Emery-Dreifuss muscular dystrophy 5, autosomal dominant. Last evaluated: 2018-01-12. Review status: criteria provided, single submitter. Criteria: ICSL Variant Classification Criteria 13 December 2019. Collection method: clinical testing. Allele origin: germline.
Comment: This variant was observed in the ICSL laboratory as part of a predisposition screen in an ostensibly healthy population. It had not been previously curated by ICSL or reported in the Human Gene Mutation Database (HGMD: prior to June 1st, 2018), and was therefore a candidate for classification through an automated scoring system. Utilizing variant allele frequency, disease prevalence and penetrance estimates, and inheritance mode, an automated score was calculated to assess if this variant is too frequent to cause the disease. Based on the score and internal cut-off values, a variant classified as likely benign is not then subjected to further curation. The score for this variant resulted in a classification of likely benign for this disease.

NM_182914.3(SYNE2):c.13281-6C>T

Gene: SYNE2 (spectrin repeat containing nuclear envelope protein 2; plus strand). Cytogenetic location: 14q23.2.
Variant type: single nucleotide variant.
Coding change: c.13281-6C>T on transcript NM_182914.3 (MANE Select); 6 bases into the intron before coding-DNA position 13281, C replaced by T.
Molecular consequence: intron variant.
Genome position (GRCh38, 1-based): chr14:64,122,280, C>T. VCF-style: chr14-64122280-C-T. GRCh37 (hg19) VCF-style: chr14-64588998-C-T.
Other names: c.13281-6C>T (NM_015180.6).
Identifiers: ClinVar variation 313586 (VCV000313586.10), dbSNP rs376973894, ClinGen allele CA7222400.